The following is an entry in ClinVar:

NM_001365276.2(TNXB):c.1199G>T (p.Gly400Val)

Gene: TNXB (tenascin XB; minus strand). Cytogenetic location: 6p21.33.
Variant type: single nucleotide variant.
Coding change: c.1199G>T on transcript NM_001365276.2 (MANE Select); coding-DNA position 1199, G replaced by T.
Protein change: p.Gly400Val; replaces glycine 400 with valine.
Molecular consequence: missense variant.
Genome position (GRCh38, 1-based): chr6:32,096,654, C>A on the plus strand (G>T on the coding strand, the complement: TNXB is on the minus strand). VCF-style: chr6-32096654-C-A. GRCh37 (hg19) VCF-style: chr6-32064431-C-A.
Other names: c.1199G>T, p.Gly400Val (NM_019105.8); short protein forms G400V.
Identifiers: ClinVar variation 1314486 (VCV001314486.2), dbSNP rs1484499155, ClinGen allele CA363483060.
Genomic context (GRCh38, chr6:32,096,654, plus strand): 5'-ACGCAGCGGCCGTCCTCGCAGCGGCCCCTTTGGTTGCAGTCGCCAGGGCAGCTGCGCACG[C>A]CGCAGTCGTCCCCGCTGTAGCCCGTGTCGCAAATGCATTCGCCGTCCTCGCAGCGCCCGC-3'
Protein context (NP_001352205.1, residues 390-410): CDTGYSGDDC[Gly400Val]VRSCPGDCNQ

ClinVar aggregate classification (germline): Uncertain significance (1 of 4 stars; one submission).

Submission:

GeneDx
Classification: Uncertain significance. Last evaluated: 2021-04-09. Review status: criteria provided, single submitter. Criteria: GeneDx Variant Classification Process June 2021. Collection method: clinical testing. Allele origin: germline. Affected: yes.
Comment: Not observed in large population cohorts (Lek et al., 2016); In silico analysis supports that this missense variant has a deleterious effect on protein structure/function; Has not been previously published as pathogenic or benign to our knowledge